The following is an entry in ClinVar:

ClinVar aggregate classification (germline): Uncertain significance (1 of 4 stars; one submission).

Conditions:
Hypertrophic cardiomyopathy 12. Identifiers: MedGen C2677491, MONDO:0012804, OMIM 612124.
Dilated cardiomyopathy 1M (CMD1M). Identifiers: Orphanet 154, MedGen C1843808, MONDO:0011840, OMIM 607482.

Allele frequency attached by ClinVar (database versions not stated): TOPMed below 0.00001; gnomAD 0.00001; ESP Exome Variant Server 0.00008.
gnomAD v4.1: 1 of 1,613,944 alleles (0.000062%); highest among the groups gnomAD compares: African/African-American, 0.0013%; no homozygotes.

Submission:

Labcorp Genetics (formerly Invitae), Labcorp
Classification: Uncertain significance for Hypertrophic cardiomyopathy 12; Dilated cardiomyopathy 1M. Last evaluated: 2023-11-10. Review status: criteria provided, single submitter. Criteria: Invitae Variant Classification Sherloc (09022015). Collection method: clinical testing. Allele origin: germline.
Comment: This sequence change replaces aspartic acid, which is acidic and polar, with histidine, which is basic and polar, at codon 161 of the CSRP3 protein (p.Asp161His). This variant is present in population databases (rs138254181, gnomAD 0.006%). This variant has not been reported in the literature in individuals affected with CSRP3-related conditions. An algorithm developed to predict the effect of missense changes on protein structure and function (PolyPhen-2) suggests that this variant is likely to be disruptive. In summary, the available evidence is currently insufficient to determine the role of this variant in disease. Therefore, it has been classified as a Variant of Uncertain Significance.

NM_003476.5(CSRP3):c.481G>C (p.Asp161His)

Gene: CSRP3 (cysteine and glycine rich protein 3; minus strand). Cytogenetic location: 11p15.1.
Variant type: single nucleotide variant.
Coding change: c.481G>C on transcript NM_003476.5 (MANE Select); coding-DNA position 481, G replaced by C.
Protein change: p.Asp161His; replaces aspartic acid 161 with histidine.
Molecular consequence: missense variant. On other transcripts: synonymous variant (1).
Genome position (GRCh38, 1-based): chr11:19,184,979, C>G on the plus strand (G>C on the coding strand, the complement: CSRP3 is on the minus strand). VCF-style: chr11-19184979-C-G. GRCh37 (hg19) VCF-style: chr11-19206526-C-G.
Other names: c.481G>C, p.Asp161His (NM_001127656.1); c.312G>C, p.Leu104= (NM_001369404.1); short protein forms D161H.
Identifiers: ClinVar variation 2925361 (VCV002925361.3), dbSNP rs138254181, ClinGen allele CA218632623.